The following continues an entry in ClinVar:

NM_000016.6(ACADM):c.985A>G (p.Lys329Glu)

Gene: ACADM. ClinVar aggregate classification (germline): Pathogenic/Likely pathogenic. Pathogenic (50); Likely pathogenic (3).

Submissions 57 to 59 of 59:

Department of Pathology and Laboratory Medicine, Sinai Health System
Classification: Pathogenic. Review status: no assertion criteria provided. Collection method: clinical testing. Allele origin: unknown. Affected: yes. Study: The Canadian Open Genetics Repository (COGR). Not counted in ClinVar's aggregate classification.
Comment: The ACADM p.K329E is widely reported as the most common pathogenic variant associated with medium-chain acyl-CoA dehydrogenase deficiency (MCADD) in the Caucasian population, accounting for approximately 56-91% of disease alleles in this population (Rhead_2006_PMID 16763904; Gramer_2015_PMID:25940036). The p.K329E variant has been identified in over 168 MCADD patients including 103 in the homozygous state, 54 in the compound heterozygous state, and 11 in the heterozygous state (Matsubara 1990_PMID 2393404; Andresen 2001_PMID11349232; Maier 2005_ PMID 15832312; Sturm 2012_PMID 23028790; FernâˆšÃ‰Â¬Â°ndez-Guerra 2014_PMID 25333063). The variant was identified in dbSNP (ID: rs77931234) and in ClinVar (classified as pathogenic by 14 laboratories and as a VUS by Genomic Research Center, Shahid Beheshti University of Medical Sciences). The variant was identified in control databases in 941 of 282786 chromosomes (1 homozygous) at a frequency of 0.003328 (Genome Aggregation Database March 6, 2019, v2.1.1). The variant was observed in the following populations: European (non-Finnish) in 800 of 129138 chromosomes (freq: 0.006195), Other in 24 of 7220 chromosomes (freq: 0.003324), African in 33 of 24948 chromosomes (freq: 0.001323), European (Finnish) in 27 of 25124 chromosomes (freq: 0.001075), Ashkenazi Jewish in 11 of 10370 chromosomes (freq: 0.001061), Latino in 37 of 35440 chromosomes (freq: 0.001044) and South Asian in 9 of 30602 chromosomes (freq: 0.000294), but was not observed in the East Asian population. Although the p.K329E variant is identified in controls, the prevalence of this variant in affected individuals is significantly increased compared with the prevalence in controls. The variant occurs outside of the splicing consensus sequence and in silico or computational prediction software programs (SpliceSiteFinder, MaxEntScan, NNSPLICE, GeneSplicer) do not predict a difference in splicing. The p.K329 residue is conserved in mammals but not in more distantly related organisms however computational analyses (PolyPhen-2, SIFT, AlignGVGD, BLOSUM, MutationTaster) do not suggest a high likelihood of impact to the protein; this information is not predictive enough to rule out pathogenicity. However, this variant is in a domain that is critical for enzymatic activity and in vitro functional studies have demonstrated that the p.K329E variant results in protein misfolding, increased hydrophobicity and altered enzyme kinetics (Jank_2014_PMID:24718418; Maier_2009_PMID:19224950; Koster_2014_PMID:24966162). In summary, based on the above information this variant meets our laboratoryâ€šÃ„Ã´s criteria to be classified as pathogenic.

Diagnostic Laboratory, Department of Genetics, University Medical Center Groningen
Classification: Pathogenic. Review status: no assertion criteria provided. Collection method: clinical testing. Allele origin: germline. Affected: yes. Study: VKGL Data-share Consensus. Not counted in ClinVar's aggregate classification.

Joint Genome Diagnostic Labs from Nijmegen and Maastricht, Radboudumc and MUMC+
Classification: Pathogenic. Review status: no assertion criteria provided. Collection method: clinical testing. Allele origin: germline. Affected: yes. Study: VKGL Data-share Consensus. Not counted in ClinVar's aggregate classification.

Literature cited by the submitters: PubMed 22630369 (cited by 3 submitters); PubMed 23028790 (cited by 9 submitters); PubMed 11349232 (cited by 7 submitters); PubMed 25333063 (cited by 3 submitters); PubMed 2393404 (cited by 7 submitters); PubMed 15832312 (cited by 5 submitters); PubMed 8104486 (cited by Genetics and Molecular Pathology, SA Pathology and Pittsburgh Clinical Genomics Laboratory, University of Pittsburgh Medical Center); PubMed 20301597 (cited by 7 submitters); PubMed 27976856 (cited by Genetics and Molecular Pathology, SA Pathology); PubMed 16291504 (cited by 4 submitters); PubMed 16617240 (cited by 3 submitters); PubMed 16737882 (cited by Labcorp Genetics (formerly Invitae), Labcorp and Variantyx, Inc.); PubMed 16763904 (cited by 3 submitters); PubMed 23574375 (cited by 5 submitters); PubMed 32311243 (cited by Natera, Inc.); PubMed 33514801 (cited by Natera, Inc.); PubMed 23151387 (cited by Victorian Clinical Genetics Services, Murdoch Childrens Research Institute); PubMed 24718418 (cited by Center for Genomic Medicine, Rigshospitalet, Copenhagen University Hospital and Women's Health and Genetics/Laboratory Corporation of America, LabCorp); PubMed 9158144 (cited by Ambry Genetics); PubMed 20036593 (cited by Ambry Genetics); PubMed 41022664 (cited by Department of Genetics of Metabolic Diseases, Institute of Medical & Molecular Genetics, Hospital Universitario Hospital La Paz); PubMed 8102510 (cited by Quest Diagnostics Nichols Institute San Juan Capistrano); PubMed 26798524 (cited by Quest Diagnostics Nichols Institute San Juan Capistrano); PubMed 7904584 (cited by Quest Diagnostics Nichols Institute San Juan Capistrano and OMIM); PubMed 26223887 (cited by Quest Diagnostics Nichols Institute San Juan Capistrano and Dasa); PubMed 25087612 (cited by Quest Diagnostics Nichols Institute San Juan Capistrano); PubMed 26947917 (cited by Quest Diagnostics Nichols Institute San Juan Capistrano); PubMed 2394825 (cited by Quest Diagnostics Nichols Institute San Juan Capistrano and OMIM); PubMed 2251268 (cited by Quest Diagnostics Nichols Institute San Juan Capistrano and OMIM); PubMed 1902818 (cited by 3 submitters); PubMed 21228398 (cited by Quest Diagnostics Nichols Institute San Juan Capistrano); PubMed 24966162 (cited by Quest Diagnostics Nichols Institute San Juan Capistrano and Pittsburgh Clinical Genomics Laboratory, University of Pittsburgh Medical Center); PubMed 35281663 (cited by Quest Diagnostics Nichols Institute San Juan Capistrano); PubMed 7730333 (cited by Pittsburgh Clinical Genomics Laboratory, University of Pittsburgh Medical Center and Women's Health and Genetics/Laboratory Corporation of America, LabCorp); PubMed 19224950 (cited by Pittsburgh Clinical Genomics Laboratory, University of Pittsburgh Medical Center and Myriad Genetics, Inc.); PubMed 1363805 (cited by Pittsburgh Clinical Genomics Laboratory, University of Pittsburgh Medical Center); PubMed 1361190 (cited by Dasa and OMIM); PubMed 25940036 (cited by Dasa); PubMed 11346377 (cited by Dasa and OMIM); PubMed 20434380 (cited by Myriad Genetics, Inc.); PubMed 23509891 (cited by Myriad Genetics, Inc.); PubMed 18241067 (cited by Myriad Genetics, Inc. and OMIM); PubMed 9797589 (cited by Women's Health and Genetics/Laboratory Corporation of America, LabCorp); PubMed 1684086 (cited by UNC Molecular Genetics  Laboratory, University of North Carolina at Chapel Hill and OMIM); PubMed 1972503 (cited by OMIM); PubMed 3786030 (cited by OMIM); PubMed 1671131 (cited by OMIM); PubMed 1679031 (cited by OMIM); PubMed 1756601 (cited by OMIM); PubMed 2046713 (cited by OMIM); PubMed 1570195 (cited by OMIM); PubMed 7720752 (cited by OMIM); PubMed 1447668 (cited by OMIM); PubMed 1601002 (cited by OMIM); PubMed 1678810 (cited by OMIM); PubMed 6434827 (cited by OMIM); PubMed 8770876 (cited by OMIM); PubMed 11263545 (cited by OMIM); PubMed 11486912 (cited by OMIM).